The following is an entry in ClinVar:

ClinVar aggregate classification (germline): Uncertain significance. Review status: criteria provided, multiple submitters, no conflicts (2 of 4 stars). 2 submissions from 2 submitters: Uncertain significance (2). Last evaluated 2022-03-23.

Conditions:
Maturity-onset diabetes of the young type 11. Identifiers: Orphanet 552, MedGen C3150618, MONDO:0013242, OMIM 613375.

Allele frequency attached by ClinVar (database versions not stated): ExAC 0.00001; gnomAD exomes 0.00001; TOPMed 0.00001; ESP Exome Variant Server 0.00008.
gnomAD v4.1: 19 of 1,614,156 alleles (0.0012%); highest among the groups gnomAD compares: Admixed American, 0.0017%; no homozygotes.

Submissions (2):

Fulgent Genetics
Classification: Uncertain significance for Maturity-onset diabetes of the young type 11. Last evaluated: 2022-03-23. Review status: criteria provided, single submitter. Criteria: ACMG Guidelines, 2015. Collection method: clinical testing. Allele origin: unknown.

Illumina Laboratory Services, Illumina
Classification: Uncertain significance for Maturity-onset diabetes of the young type 11. Last evaluated: 2017-06-07. Review status: criteria provided, single submitter. Criteria: ICSL Variant Classification Criteria 13 December 2019. Collection method: clinical testing. Allele origin: germline.
Comment: This variant was observed as part of a predisposition screen in an ostensibly healthy population. A literature search was performed for the gene, cDNA change, and amino acid change (where applicable). Publications were found based on this search. However, the evidence from the literature, in combination with allele frequency data from public databases where available, was not sufficient to rule this variant in or out of causing disease. Therefore, this variant is classified as a variant of unknown significance.

Literature cited by the submitters: PubMed 28095440 (cited by Illumina Laboratory Services, Illumina).

NM_001715.3(BLK):c.1252G>A (p.Val418Met)

Gene: BLK (BLK proto-oncogene, Src family tyrosine kinase). Cytogenetic location: 8p23.1.
Variant type: single nucleotide variant.
Coding change: c.1252G>A on transcript NM_001715.3 (MANE Select); coding-DNA position 1252, G replaced by A.
Protein change: p.Val418Met; replaces valine 418 with methionine.
Molecular consequence: missense variant.
Genome position (GRCh38, 1-based): chr8:11,563,050, G>A. VCF-style: chr8-11563050-G-A. GRCh37 (hg19) VCF-style: chr8-11420559-G-A.
Other names: c.1039G>A, p.Val347Met (NM_001330465.2); short protein forms V347M, V418M.
Identifiers: ClinVar variation 912037 (VCV000912037.5), dbSNP rs373565757, ClinGen allele CA4630430.